The following is an entry in ClinVar:

NM_001303256.3(MORC2):c.1994C>G (p.Ser665Cys)

Gene: MORC2 (MORC family CW-type zinc finger 2; minus strand). Cytogenetic location: 22q12.2.
Variant type: single nucleotide variant.
Coding change: c.1994C>G on transcript NM_001303256.3 (MANE Select); coding-DNA position 1994, C replaced by G.
Protein change: p.Ser665Cys; replaces serine 665 with cysteine.
Molecular consequence: missense variant.
Genome position (GRCh38, 1-based): chr22:30,934,980, G>C on the plus strand (C>G on the coding strand, the complement: MORC2 is on the minus strand). VCF-style: chr22-30934980-G-C. GRCh37 (hg19) VCF-style: chr22-31330967-G-C.
Other names: c.1994C>G, p.Ser665Cys (NM_001303257.2); c.1808C>G, p.Ser603Cys (NM_014941.3); short protein forms S665C, S603C.
Identifiers: ClinVar variation 1424761 (VCV001424761.10), dbSNP rs1402143255, ClinGen allele CA411234878.

ClinVar aggregate classification (germline): Uncertain significance. Review status: criteria provided, multiple submitters, no conflicts (2 of 4 stars). 3 submissions from 3 submitters: Uncertain significance (3). Last evaluated 2022-10-17.

Conditions:
Charcot-Marie-Tooth disease axonal type 2Z. Also called: CHARCOT-MARIE-TOOTH DISEASE, AXONAL, AUTOSOMAL DOMINANT, TYPE 2Z; CHARCOT-MARIE-TOOTH NEUROPATHY, TYPE 2Z. Identifiers: Orphanet 466768, MedGen C5569025, MONDO:0014736, OMIM 616688.

Allele frequency attached by ClinVar (database versions not stated): gnomAD exomes below 0.00001 and 0.00001; gnomAD 0.00001; TOPMed 0.00001.
gnomAD v4.1: 4 of 1,614,036 alleles (0.00025%); highest among the groups gnomAD compares: Admixed American, 0.0033%; no homozygotes.

Submissions (3):

Labcorp Genetics (formerly Invitae), Labcorp
Classification: Uncertain significance for Charcot-Marie-Tooth disease axonal type 2Z. Last evaluated: 2022-10-17. Review status: criteria provided, single submitter. Criteria: Invitae Variant Classification Sherloc (09022015). Collection method: clinical testing. Allele origin: germline.
Comment: ClinVar contains an entry for this variant (Variation ID: 1424761). This variant has not been reported in the literature in individuals affected with MORC2-related conditions. This variant is present in population databases (no rsID available, gnomAD 0.003%). In summary, the available evidence is currently insufficient to determine the role of this variant in disease. Therefore, it has been classified as a Variant of Uncertain Significance. Advanced modeling of protein sequence and biophysical properties (such as structural, functional, and spatial information, amino acid conservation, physicochemical variation, residue mobility, and thermodynamic stability) performed at Invitae indicates that this missense variant is expected to disrupt MORC2 protein function. This sequence change replaces serine, which is neutral and polar, with cysteine, which is neutral and slightly polar, at codon 665 of the MORC2 protein (p.Ser665Cys).

Baylor Genetics
Classification: Uncertain significance for Charcot-Marie-Tooth disease axonal type 2Z. Last evaluated: 2021-05-07. Review status: criteria provided, single submitter. Criteria: ACMG Guidelines, 2015. Collection method: clinical testing. Allele origin: unknown.

Laboratory of Functional Genomics, Research Centre for Medical Genetics
Classification: Uncertain significance for Charcot-Marie-Tooth disease axonal type 2Z. Review status: criteria provided, single submitter. Criteria: ACMG Guidelines, 2015. Collection method: clinical testing, in vitro. Allele origin: unknown, not applicable. Affected: yes. Observed: 1 heterozygote.
Comment: Segregation analysis was not performed. This variant is found in gnomAD with frequency 0.00000248. For functional characterization of the variant a vector, expressing MORC2 fused with Flag tag at C-terminal end, was created. Transfection of the plasmid into HEK293T cells followed by Western blotting revealed slight reduction of MORC2 protein quantity compared to wt vector. In summary, c.1994C>G variant meets criteria to be classified as variant of unknown significance.